The following is an entry in ClinVar:

ClinVar aggregate classification (germline): Likely pathogenic (1 of 4 stars; one submission).

Conditions:
Hemolytic uremic syndrome, atypical, susceptibility to, 1. Also called: AHUS, SUSCEPTIBILITY TO, 1. Identifiers: Orphanet 2134, Orphanet 90038, MedGen C2749604, MONDO:0009335, OMIM 235400. Disease mechanism: Other.

Submission:

3billion
Classification: Likely pathogenic for Hemolytic uremic syndrome, atypical, susceptibility to, 1. Last evaluated: 2025-09-01. Review status: criteria provided, single submitter. Criteria: ACMG Guidelines, 2015. Collection method: clinical testing. Allele origin: germline. Affected: yes.
Comment: The variant is not observed in the gnomAD v4.1.0 dataset. Predicted Consequence/Location: Stop-gained (nonsense): predicted to result in a loss or disruption of normal protein function through protein truncation. Multiple pathogenic variants are reported in the predicted truncated region. Therefore, this variant is classified as Likely pathogenic according to the recommendation of ACMG/AMP guideline.

NM_000186.4(CFH):c.3531T>A (p.Tyr1177Ter)

Gene: CFH (complement factor H; plus strand). Cytogenetic location: 1q31.3.
Variant type: single nucleotide variant.
Coding change: c.3531T>A on transcript NM_000186.4 (MANE Select); coding-DNA position 3531, T replaced by A.
Protein change: p.Tyr1177Ter; replaces tyrosine 1177 with a stop codon.
Molecular consequence: nonsense.
Genome position (GRCh38, 1-based): chr1:196,747,148, T>A. VCF-style: chr1-196747148-T-A. GRCh37 (hg19) VCF-style: chr1-196716278-T-A.
Other names: short protein forms Y1177*.
Identifiers: ClinVar variation 4855983 (VCV004855983.1).